The following is an entry in ClinVar:

NM_000179.3(MSH6):c.2165dup (p.Gly723fs)

Gene: MSH6 (mutS homolog 6; plus strand). Cytogenetic location: 2p16.3.
Variant type: Duplication.
Coding change: c.2165dup on transcript NM_000179.3 (MANE Select); coding-DNA position 2165, one base duplicated (C; older notation c.2165dupC).
Protein change: p.Gly723fs; shifts the reading frame from glycine 723.
Molecular consequence: frameshift variant.
Genome position (GRCh38, 1-based): chr2:47,800,148, C duplicated. VCF-style (leftmost placement, unchanged base first): chr2-47800147-T-TC. GRCh37 (hg19) VCF-style: chr2-48027286-T-TC.
Other names: c.1775dup, p.Gly593fs (NM_001281492.2); c.1259dup, p.Gly421fs (NM_001281493.2, NM_001281494.2); c.2261dup, p.Gly755Trpfs (NM_001406795.1, NM_001406802.1); c.2165dup, p.Gly723Trpfs (NM_001406796.1, NM_001406798.1, NM_001406800.1 and 3 more transcripts); c.1868dup, p.Gly624Trpfs (NM_001406797.1, NM_001406801.1, NM_001406805.1 and 10 more transcripts); c.1640dup, p.Gly548Trpfs (NM_001406799.1, NM_001406806.1, NM_001406807.1); c.2087dup, p.Gly697Trpfs (NM_001406804.1); c.1259dup, p.Gly421Trpfs (NM_001406811.1, NM_001406812.1, NM_001406814.1 and 4 more transcripts); and 3 more; short protein forms G421fs, G593fs, G723fs.
Identifiers: ClinVar variation 1786971 (VCV001786971.2), dbSNP rs2530654482, ClinGen allele CA2580067780.

ClinVar aggregate classification (germline): Pathogenic (1 of 4 stars; one submission).

Conditions:
Hereditary cancer-predisposing syndrome. Also called: Neoplastic Syndromes, Hereditary; Tumor predisposition; Hereditary Cancer Syndrome; Hereditary neoplastic syndrome. Identifiers: Orphanet 140162, MedGen C0027672, MeSH D009386, MONDO:0015356.

Submission:

Ambry Genetics
Classification: Pathogenic for Hereditary cancer-predisposing syndrome. Last evaluated: 2021-09-01. Review status: criteria provided, single submitter. Criteria: Ambry Variant Classification Scheme 2023. Collection method: clinical testing. Allele origin: germline.
Comment: The c.2165dupC pathogenic mutation, located in coding exon 4 of the MSH6 gene, results from a duplication of C at nucleotide position 2165, causing a translational frameshift with a predicted alternate stop codon (p.G723Wfs*33). This variant is considered to be rare based on population cohorts in the Genome Aggregation Database (gnomAD). This alteration is expected to result in loss of function by premature protein truncation or nonsense-mediated mRNA decay. As such, this alteration is interpreted as a disease-causing mutation.